The following is an entry in ClinVar:

NM_001287.6(CLCN7):c.485-12G>T

Gene: CLCN7 (chloride voltage-gated channel 7; minus strand). Cytogenetic location: 16p13.3.
Variant type: single nucleotide variant.
Coding change: c.485-12G>T on transcript NM_001287.6 (MANE Select); 12 bases into the intron before coding-DNA position 485, G replaced by T.
Molecular consequence: intron variant.
Genome position (GRCh38, 1-based): chr16:1,460,539, C>A on the plus strand (G>T on the coding strand, the complement: CLCN7 is on the minus strand). VCF-style: chr16-1460539-C-A. GRCh37 (hg19) VCF-style: chr16-1510540-C-A.
Other names: c.413-12G>T (NM_001114331.3).
Identifiers: ClinVar variation 2102721 (VCV002102721.4), dbSNP rs1320953257, ClinGen allele CA2580090458.
Genomic context (GRCh38, chr16:1,460,539, plus strand): 5'-AGCAACAGGGAGAAGGACAGTCCGCCCTTCTCTGTGAACTTGTCGATATCTGGGGCTCAT[C>A]AAGGAGGGCTGGCTGCTTCCCCGTCATGACCACCCAGCCCAGACCTCAGCCCTGCCCCAC-3'

ClinVar aggregate classification (germline): Uncertain significance (1 of 4 stars; one submission).

Submission:

Labcorp Genetics (formerly Invitae), Labcorp
Classification: Uncertain significance. Last evaluated: 2022-03-14. Review status: criteria provided, single submitter. Criteria: Invitae Variant Classification Sherloc (09022015). Collection method: clinical testing. Allele origin: germline.
Comment: In summary, the available evidence is currently insufficient to determine the role of this variant in disease. Therefore, it has been classified as a Variant of Uncertain Significance. Algorithms developed to predict the effect of sequence changes on RNA splicing suggest that this variant may create or strengthen a splice site. This variant has not been reported in the literature in individuals affected with CLCN7-related conditions. This variant is not present in population databases (gnomAD no frequency). This sequence change falls in intron 5 of the CLCN7 gene. It does not directly change the encoded amino acid sequence of the CLCN7 protein.